The following is an entry in ClinVar:

ClinVar aggregate classification (germline): Uncertain significance (1 of 4 stars; one submission).

gnomAD v4.1: 5 of 1,610,824 alleles (0.00031%); highest among the groups gnomAD compares: Admixed American, 0.005%; no homozygotes.

Submission:

Labcorp Genetics (formerly Invitae), Labcorp
Classification: Uncertain significance. Last evaluated: 2024-06-17. Review status: criteria provided, single submitter. Criteria: Invitae Variant Classification Sherloc (09022015). Collection method: clinical testing. Allele origin: germline.
Comment: This sequence change replaces valine, which is neutral and non-polar, with leucine, which is neutral and non-polar, at codon 21 of the FOCAD protein (p.Val21Leu). This variant is present in population databases (rs752843013, gnomAD 0.009%). This variant has not been reported in the literature in individuals affected with FOCAD-related conditions. Experimental studies and prediction algorithms are not available or were not evaluated, and the functional significance of this variant is currently unknown. In summary, the available evidence is currently insufficient to determine the role of this variant in disease. Therefore, it has been classified as a Variant of Uncertain Significance.

NM_001375567.1(FOCAD):c.61G>C (p.Val21Leu)

Gene: FOCAD (focadhesin; plus strand). Cytogenetic location: 9p21.3.
Variant type: single nucleotide variant.
Coding change: c.61G>C on transcript NM_001375567.1 (MANE Select); coding-DNA position 61, G replaced by C.
Protein change: p.Val21Leu; replaces valine 21 with leucine.
Molecular consequence: missense variant.
Genome position (GRCh38, 1-based): chr9:20,717,797, G>C. VCF-style: chr9-20717797-G-C. GRCh37 (hg19) VCF-style: chr9-20717796-G-C.
Other names: c.61G>C, p.Val21Leu (NM_001375568.1, NM_001375570.1, NM_017794.5); short protein forms V21L.
Identifiers: ClinVar variation 3688058 (VCV003688058.2).